The following is an entry in ClinVar:

ClinVar aggregate classification (germline): Uncertain significance. Review status: criteria provided, multiple submitters, no conflicts (2 of 4 stars). 3 submissions from 3 submitters: Uncertain significance (3). Last evaluated 2021-08-02.

Conditions:
Inborn genetic diseases. Identifiers: MedGen C0950123, MeSH D030342.

Allele frequency attached by ClinVar (database versions not stated): gnomAD 0.00005 and 0.00006; gnomAD exomes 0.00006 and 0.00016; TOPMed 0.00007; ESP Exome Variant Server 0.00010; ExAC 0.00013.
gnomAD v4.1: 238 of 1,561,878 alleles (0.015%); highest among the groups gnomAD compares: Non-Finnish European, 0.019%; no homozygotes.

Submissions (3):

Ambry Genetics
Classification: Uncertain significance for Inborn genetic diseases. Last evaluated: 2021-08-02. Review status: criteria provided, single submitter. Criteria: Ambry Variant Classification Scheme 2023. Collection method: clinical testing. Allele origin: germline.

Laboratory for Molecular Medicine, Mass General Brigham Personalized Medicine
Classification: Uncertain significance. Last evaluated: 2020-11-20. Review status: criteria provided, single submitter. Criteria: LMM Criteria. Collection method: clinical testing. Allele origin: germline. Observed: 1 variant allele.
Comment: The p.Ala1709Thr variant in PCDH15 has not been previously reported in individuals with hearing loss but has been identified in 0.02% (16/84322) of European chromosomes by gnomAD. This variant has been annotated in ClinVar (Variant ID: 546640). Computational prediction tools and conservation analysis suggest that this variant may not impact the protein, though this information is not predictive enough to rule out pathogenicity. In summary, the clinical significance of this variant is uncertain. ACMG/AMP Criteria applied: BP4.

CeGaT Center for Human Genetics Tuebingen
Classification: Uncertain significance. Last evaluated: 2017-11-01. Review status: criteria provided, single submitter. Criteria: CeGaT Center For Human Genetics Tuebingen Variant Classification Criteria Version 2. Collection method: clinical testing. Allele origin: germline. Affected: yes. Observed: 1 variant allele.

NM_001384140.1(PCDH15):c.4671+1616G>A

Gene: PCDH15 (protocadherin related 15; minus strand). Cytogenetic location: 10q21.1.
Variant type: single nucleotide variant.
Coding change: c.4671+1616G>A on transcript NM_001384140.1 (MANE Select); 1616 bases into the intron after coding-DNA position 4671, G replaced by A.
Molecular consequence: intron variant. On other transcripts: missense variant (2), 3 prime UTR variant (1).
Genome position (GRCh38, 1-based): chr10:53,808,940, C>T on the plus strand (G>A on the coding strand, the complement: PCDH15 is on the minus strand). VCF-style: chr10-53808940-C-T. GRCh37 (hg19) VCF-style: chr10-55568700-C-T.
Other names: c.5125G>A, p.Ala1709Thr (NM_001142769.4); c.*540G>A (NM_001142770.3); c.5104G>A, p.Ala1702Thr (NM_001354411.2); c.4476+1616G>A (NM_001354420.2); c.4605+1616G>A (NM_001354429.2); c.4482+1616G>A (NM_001142772.2); c.4497+1616G>A (NM_001142771.2); short protein forms A1709T, A1702T.
Identifiers: ClinVar variation 546640 (VCV000546640.49), dbSNP rs371191414, ClinGen allele CA5504724.